The following is an entry in ClinVar:

NM_001005373.4(LRSAM1):c.2146C>T (p.Arg716Cys)

Gene: LRSAM1 (leucine rich repeat and sterile alpha motif containing 1; plus strand). Cytogenetic location: 9q34.11.
Variant type: single nucleotide variant.
Coding change: c.2146C>T on transcript NM_001005373.4 (MANE Select); coding-DNA position 2146, C replaced by T.
Protein change: p.Arg716Cys; replaces arginine 716 with cysteine.
Molecular consequence: missense variant. On other transcripts: non-coding transcript variant (2).
Genome position (GRCh38, 1-based): chr9:127,502,873, C>T. VCF-style: chr9-127502873-C-T. GRCh37 (hg19) VCF-style: chr9-130265152-C-T.
Other names: c.2146C>T, p.Arg716Cys (NM_001005374.4, NM_001384142.1, NM_138361.5); c.2065C>T, p.Arg689Cys (NM_001190723.3); c.2047C>T, p.Arg683Cys (NM_001384143.1); c.1357C>T, p.Arg453Cys (NM_001384144.1); c.2146C>T (NM_138361.4); short protein forms R716C, R689C, R453C, R683C.
Identifiers: ClinVar variation 578379 (VCV000578379.13), dbSNP rs772786050, ClinGen allele CA5247273.

ClinVar aggregate classification (germline): Uncertain significance. Review status: criteria provided, multiple submitters, no conflicts (2 of 4 stars). 5 submissions from 5 submitters: Uncertain significance (4). 1 of the submissions does not count toward it. Last evaluated 2025-06-07.

Conditions:
Inborn genetic diseases. Identifiers: MedGen C0950123, MeSH D030342.
Charcot-Marie-Tooth disease axonal type 2P. Also called: CHARCOT-MARIE-TOOTH NEUROPATHY, TYPE 2P; CHARCOT-MARIE-TOOTH DISEASE, AXONAL, TYPE 2G; CMT 2G; Charcot-Marie-Tooth Neuropathy Type 2G. Identifiers: Orphanet 300319, Orphanet 99941, MedGen C3280797, MONDO:0013753, OMIM 614436.

Allele frequency attached by ClinVar (database versions not stated): gnomAD 0.00001.

Submissions (5):

Ambry Genetics
Classification: Uncertain significance for Inborn genetic diseases. Last evaluated: 2025-06-07. Review status: criteria provided, single submitter. Criteria: Ambry Variant Classification Scheme 2023. Collection method: clinical testing. Allele origin: germline.

Women's Health and Genetics/Laboratory Corporation of America, LabCorp
Classification: Uncertain significance. Last evaluated: 2024-11-27. Review status: criteria provided, single submitter. Criteria: LabCorp Variant Classification Summary - May 2015. Collection method: clinical testing. Allele origin: germline.
Comment: Variant summary: LRSAM1 c.2146C>T (p.Arg716Cys) results in a non-conservative amino acid change located in the Zinc/RING finger domain, C3HC4 (zinc finger) domain (IPR013083) of the encoded protein sequence. Three of five in-silico tools predict a damaging effect of the variant on protein function. The variant allele was found at a frequency of 1.7e-05 in 235050 control chromosomes. The available data on variant occurrences in the general population are insufficient to allow any conclusion about variant significance. To our knowledge, no occurrence of c.2146C>T in individuals affected with Charcot-Marie-Tooth disease axonal type 2P-AR and no experimental evidence demonstrating its impact on protein function have been reported. ClinVar contains an entry for this variant (Variation ID: 578379). Based on the evidence outlined above, the variant was classified as uncertain significance.

GeneDx
Classification: Uncertain significance. Last evaluated: 2024-03-06. Review status: criteria provided, single submitter. Criteria: GeneDx Variant Classification Process June 2021. Collection method: clinical testing. Allele origin: germline. Affected: yes.
Comment: In silico analysis supports that this missense variant has a deleterious effect on protein structure/function; Has not been previously published as pathogenic or benign to our knowledge

Labcorp Genetics (formerly Invitae), Labcorp
Classification: Uncertain significance for Charcot-Marie-Tooth disease axonal type 2P. Last evaluated: 2023-03-31. Review status: criteria provided, single submitter. Criteria: Invitae Variant Classification Sherloc (09022015). Collection method: clinical testing. Allele origin: germline.
Comment: Advanced modeling of protein sequence and biophysical properties (such as structural, functional, and spatial information, amino acid conservation, physicochemical variation, residue mobility, and thermodynamic stability) performed at Invitae indicates that this missense variant is not expected to disrupt LRSAM1 protein function. ClinVar contains an entry for this variant (Variation ID: 578379). This variant has not been reported in the literature in individuals affected with LRSAM1-related conditions. In summary, the available evidence is currently insufficient to determine the role of this variant in disease. Therefore, it has been classified as a Variant of Uncertain Significance. This variant is present in population databases (rs772786050, gnomAD 0.007%). This sequence change replaces arginine, which is basic and polar, with cysteine, which is neutral and slightly polar, at codon 716 of the LRSAM1 protein (p.Arg716Cys).

Department of Pathology and Laboratory Medicine, Sinai Health System
Classification: Uncertain significance. Review status: no assertion criteria provided. Collection method: clinical testing. Allele origin: unknown. Affected: yes. Study: The Canadian Open Genetics Repository (COGR). Not counted in ClinVar's aggregate classification.
Comment: The LRSAM1 p.Arg716Cys variant was not identified in the literature nor was it identified in Cosmic or LOVD 3.0. The variant was identified in dbSNP (ID: rs772786050) and ClinVar (classified as a VUS by Invitae). The variant was also identified in control databases in 5 of 266350 chromosomes at a frequency of 0.000019 (Genome Aggregation Database Feb 27, 2017). The variant was observed in the following populations: South Asian in 2 of 29184 chromosomes (freq: 0.000069), East Asian in 1 of 18898 chromosomes (freq: 0.000053) and European (non-Finnish) in 2 of 120682 chromosomes (freq: 0.000017), while the variant was not observed in the African, Latino, Ashkenazi Jewish, European (Finnish), and Other populations. The p.Arg716 residue is not conserved in mammals and computational analyses (PolyPhen-2, SIFT, AlignGVGD, BLOSUM, MutationTaster) provide inconsistent predictions regarding the impact to the protein; this information is not very predictive of pathogenicity. The variant occurs outside of the splicing consensus sequence and in silico or computational prediction software programs (SpliceSiteFinder, MaxEntScan, NNSPLICE, GeneSplicer) do not predict a difference in splicing. In summary, based on the above information the clinical significance of this variant cannot be determined with certainty at this time. This variant is classified as a variant of uncertain significance.